The following is an entry in ClinVar:

NM_032539.5(SLITRK2):c.1167T>C (p.Thr389=)

Gene: SLITRK2 (SLIT and NTRK like family member 2; plus strand). Cytogenetic location: Xq27.3.
Variant type: single nucleotide variant.
Coding change: c.1167T>C on transcript NM_032539.5 (MANE Select); coding-DNA position 1167, T replaced by C.
Protein change: p.Thr389=; no amino-acid change (threonine 389 retained).
Molecular consequence: synonymous variant.
Genome position (GRCh38, 1-based): chrX:145,823,592, T>C. VCF-style: chrX-145823592-T-C. GRCh37 (hg19) VCF-style: chrX-144905110-T-C.
Other names: c.1167T>C, p.Thr389= (NM_001144005.3, NM_001144006.2, NM_001144008.2 and 4 more transcripts).
Identifiers: ClinVar variation 5041269 (VCV005041269.1).

ClinVar aggregate classification (germline): Likely benign (1 of 4 stars; one submission).

gnomAD v4.1: 7 of 1,211,676 alleles (0.00058%); highest among the groups gnomAD compares: Admixed American, 0.0043%; no homozygotes.

Submission:

CeGaT Center for Human Genetics Tuebingen
Classification: Likely benign. Last evaluated: 2026-10-01. Review status: criteria provided, single submitter. Criteria: CeGaT Center For Human Genetics Tuebingen Variant Classification Criteria Version 2. Collection method: clinical testing. Allele origin: germline. Affected: yes. Observed: 1 variant allele.
Comment: SLITRK2: BP4, BP7